The following is an entry in ClinVar:

NM_001378454.1(ALMS1):c.12114+33G>A

Genes: ALMS1 (ALMS1 centrosome and basal body associated protein; plus strand), LOC126806252 (BRD4-independent group 4 enhancer GRCh37_chr2:73828496-73829695; plus strand). Cytogenetic location: 2p13.1.
Variant type: single nucleotide variant.
Coding change: c.12114+33G>A on transcript NM_001378454.1 (MANE Select); 33 bases into the intron after coding-DNA position 12114, G replaced by A.
Molecular consequence: intron variant.
Genome position (GRCh38, 1-based): chr2:73,601,469, G>A. VCF-style: chr2-73601469-G-A. GRCh37 (hg19) VCF-style: chr2-73828596-G-A.
Other names: NC_000002.11:g.73828596G>A; c.12117+33G>A (NM_015120.4); c.12114+33G>A (NM_015120.4).
Identifiers: ClinVar variation 679438 (VCV000679438.3), dbSNP rs28730864, ClinGen allele CA1715437.
Genomic context (GRCh38, chr2:73,601,469, plus strand): 5'-GAGGCCATTTGTGAGAGCAACCCTTCAGGTGCAGTGACGTTGACTTAACTTTAATGCTAC[G>A]TGTAGGGAGAAGAAGGGCAAGGCGCAGAGAAGCTGGCTCTGTGACTTGGTGAGCTGAGGT-3'

ClinVar aggregate classification (germline): Likely benign. Review status: criteria provided, multiple submitters, no conflicts (2 of 4 stars). 2 submissions from 2 submitters: Likely benign (2). Last evaluated 2018-06-16.

Allele frequency attached by ClinVar (database versions not stated): ESP Exome Variant Server 0.00954; 1000 Genomes Project 30x 0.00984; gnomAD 0.00990; TOPMed 0.01099; ExAC 0.00367; 1000 Genomes Project 0.00978.
gnomAD v4.1: 3,364 of 1,609,968 alleles (0.21%); highest among the groups gnomAD compares: African/African-American, 3.5%; 60 homozygotes.

Submissions (4):

GeneDx
Classification: Likely benign. Last evaluated: 2018-06-16. Review status: criteria provided, single submitter. Criteria: GeneDx Variant Classification (06012015). Collection method: clinical testing. Allele origin: germline. Affected: yes.
Comment: This variant is considered likely benign or benign based on one or more of the following criteria: it is a conservative change, it occurs at a poorly conserved position in the protein, it is predicted to be benign by multiple in silico algorithms, and/or has population frequency not consistent with disease.

Breakthrough Genomics
Classification: Likely benign. Review status: criteria provided, single submitter. Criteria: ACMG Guidelines, 2015. Collection method: not provided. Allele origin: germline. Inheritance: Autosomal recessive inheritance. Affected: yes.

Dr. Peter K. Rogan Lab, Western University
No classification provided (evidence only). Condition: Ovarian serous cystadenocarcinoma. Review status: no classification provided. Collection method: in vitro. Allele origin: not applicable. Functional consequence: retained intron. Not counted in ClinVar's aggregate classification.

Dr. Peter K. Rogan Lab, Western University
No classification provided (evidence only). Condition: Uterine carcinosarcoma. Review status: no classification provided. Collection method: in vitro. Allele origin: not applicable. Functional consequence: retained intron. Not counted in ClinVar's aggregate classification.